The following is an entry in ClinVar:

ClinVar aggregate classification (germline): Uncertain significance (1 of 4 stars; one submission).

Submission:

Labcorp Genetics (formerly Invitae), Labcorp
Classification: Uncertain significance. Last evaluated: 2025-04-21. Review status: criteria provided, single submitter. Criteria: Invitae Variant Classification Sherloc (09022015). Collection method: clinical testing. Allele origin: germline.
Comment: This variant, c.2908_2910del, results in the deletion of 1 amino acid(s) of the ADCY5 protein (p.Phe970del), but otherwise preserves the integrity of the reading frame. This variant is present in population databases (rs757574016, gnomAD 0.003%). This variant has not been reported in the literature in individuals affected with ADCY5-related conditions. Experimental studies and prediction algorithms are not available or were not evaluated, and the functional significance of this variant is currently unknown. In summary, the available evidence is currently insufficient to determine the role of this variant in disease. Therefore, it has been classified as a Variant of Uncertain Significance.

NM_183357.3(ADCY5):c.2905TTC[1] (p.Phe970del)

Gene: ADCY5 (adenylate cyclase 5; minus strand). Cytogenetic location: 3q21.1.
Variant type: Microsatellite.
Coding change: c.2905TTC[1] on transcript NM_183357.3 (MANE Select); one copy of the 3-base unit TTC starting at c.2905; the reference has two copies in a row; one copy, 3 bases deleted.
Protein change: p.Phe970del; deletes phenylalanine 970.
Molecular consequence: inframe deletion.
Genome position (GRCh38, 1-based): chr3:123,297,373-123,297,375, GAA deleted on the plus strand (TTC on the coding strand, the reverse complement: ADCY5 is on the minus strand); deleting any 3 consecutive bases within chr3:123,297,373-123,297,379 gives the same sequence; the position shown is the placement nearest the transcript's 3' end. VCF-style (leftmost placement, unchanged base first): chr3-123297372-TGAA-T. GRCh37 (hg19) VCF-style: chr3-123016219-TGAA-T.
Other names: c.1855TTC[1], p.Phe620del (NM_001199642.1); c.2905TTC[1], p.Phe970del (NM_001378259.1); short protein forms F620del, F970del.
Identifiers: ClinVar variation 1985827 (VCV001985827.4), dbSNP rs757574016, ClinGen allele CA2576936.